The following is an entry in ClinVar:

ClinVar aggregate classification (germline): Uncertain significance (1 of 4 stars; one submission).

Conditions:
Short stature due to growth hormone secretagogue receptor deficiency (GHDP). Also called: Short stature due to GHSR deficiency. Identifiers: Orphanet 314811, MedGen C5887324, MONDO:0014403, OMIM 615925.

Submission:

University of Washington Department of Laboratory Medicine, University of Washington
Classification: Uncertain significance for Short stature due to growth hormone secretagogue receptor deficiency. Last evaluated: 2023-02-02. Review status: criteria provided, single submitter. Criteria: ACMG Guidelines, 2015. Collection method: clinical testing. Allele origin: paternal. Affected: yes.
Comment: The c.796+1039_830del variant in the GHSR gene has not been previously reported in association with disease. This variant was absent from large population databases, including the Genome Aggregation Database and Database of Genomic Variants. This variant leads to a 1.1 kb deletion that encompasses the canonical acceptor site of intron 1, which is predicted to result in abnormal gene splicing. These predictions have not been tested directly. Using ACMG guidelines, this variant was classified as a variant of uncertain significance (ACMG evidence codes used: PVS1_strong, PM2_supporting).

NM_198407.2(GHSR):c.796+1039_830del

Gene: GHSR (growth hormone secretagogue receptor; minus strand). Cytogenetic location: 3q26.31.
Variant type: Deletion.
Coding change: c.796+1039_830del on transcript NM_198407.2 (MANE Select); 1039 bases into the intron after coding-DNA position 796 through coding-DNA position 830, 1,148 bases deleted.
Molecular consequence: splice acceptor variant.
Genome position (GRCh38, 1-based): chr3:172,445,432-172,446,579, 1,148 bases deleted. GRCh37 (hg19): chr3:172,163,224-172,164,371.
Identifiers: ClinVar variation 3777123 (VCV003777123.1).